The following is an entry in ClinVar:

NM_001378454.1(ALMS1):c.9829_9832dup (p.Tyr3278fs)

Gene: ALMS1 (ALMS1 centrosome and basal body associated protein; plus strand). Cytogenetic location: 2p13.1.
Variant type: Duplication.
Coding change: c.9829_9832dup on transcript NM_001378454.1 (MANE Select); coding-DNA positions 9829 to 9832, 4 bases duplicated (TATT; older notation c.9829_9832dupTATT).
Protein change: p.Tyr3278fs; shifts the reading frame from tyrosine 3278.
Molecular consequence: frameshift variant.
Genome position (GRCh38, 1-based): chr2:73,534,871-73,534,874, TATT duplicated. VCF-style (leftmost placement, unchanged base first): chr2-73534870-G-GTATT. GRCh37 (hg19) VCF-style: chr2-73761997-G-GTATT.
Other names: c.9832_9835dup, p.Tyr3279fs (NM_015120.4); short protein forms Y3279fs, Y3278fs.
Identifiers: ClinVar variation 660080 (VCV000660080.6), dbSNP rs1573000963, ClinGen allele CA915944061.

ClinVar aggregate classification (germline): Pathogenic (1 of 4 stars; one submission).

Conditions:
Alstrom syndrome (ALMS). Identifiers: Orphanet 64, MedGen C0268425, MONDO:0008763, OMIM 203800.

Submission:

Labcorp Genetics (formerly Invitae), Labcorp
Classification: Pathogenic for Alstrom syndrome. Last evaluated: 2020-03-31. Review status: criteria provided, single submitter. Criteria: Invitae Variant Classification Sherloc (09022015). Collection method: clinical testing. Allele origin: germline.
Comment: This variant is not present in population databases (ExAC no frequency). For these reasons, this variant has been classified as Pathogenic. Loss-of-function variants in ALMS1 are known to be pathogenic (PMID: 17594715). This variant has not been reported in the literature in individuals with ALMS1-related disease. This sequence change creates a premature translational stop signal (p.Tyr3279Leufs*22) in the ALMS1 gene. It is expected to result in an absent or disrupted protein product.

Literature cited by the submitters: PubMed 17594715.